The following is an entry in ClinVar:

NM_002473.6(MYH9):c.3779A>G (p.Lys1260Arg)

Gene: MYH9 (myosin heavy chain 9; minus strand). Cytogenetic location: 22q12.3.
Variant type: single nucleotide variant.
Coding change: c.3779A>G on transcript NM_002473.6 (MANE Select); coding-DNA position 3779, A replaced by G.
Protein change: p.Lys1260Arg; replaces lysine 1260 with arginine.
Molecular consequence: missense variant.
Genome position (GRCh38, 1-based): chr22:36,294,150, T>C on the plus strand (A>G on the coding strand, the complement: MYH9 is on the minus strand). VCF-style: chr22-36294150-T-C. GRCh37 (hg19) VCF-style: chr22-36690196-T-C.
Other names: short protein forms K1260R.
Identifiers: ClinVar variation 4773426 (VCV004773426.1).

ClinVar aggregate classification (germline): Uncertain significance (1 of 4 stars; one submission).

gnomAD v4.1: 1 of 1,613,008 alleles (0.000062%); highest among the groups gnomAD compares: Non-Finnish European, 0.000085%; no homozygotes.

Submission:

Labcorp Genetics (formerly Invitae), Labcorp
Classification: Uncertain significance. Last evaluated: 2025-05-13. Review status: criteria provided, single submitter. Criteria: Invitae Variant Classification Sherloc (09022015). Collection method: clinical testing. Allele origin: germline.
Comment: This sequence change replaces lysine, which is basic and polar, with arginine, which is basic and polar, at codon 1260 of the MYH9 protein (p.Lys1260Arg). This variant is not present in population databases (gnomAD no frequency). This variant has not been reported in the literature in individuals affected with MYH9-related conditions. Invitae Evidence Modeling of protein sequence and biophysical properties (such as structural, functional, and spatial information, amino acid conservation, physicochemical variation, residue mobility, and thermodynamic stability) indicates that this missense variant is not expected to disrupt MYH9 protein function with a negative predictive value of 95%. In summary, the available evidence is currently insufficient to determine the role of this variant in disease. Therefore, it has been classified as a Variant of Uncertain Significance.